The following is an entry in ClinVar:

ClinVar aggregate classification (germline): Uncertain significance. Review status: criteria provided, multiple submitters, no conflicts (2 of 4 stars). 2 submissions from 2 submitters: Uncertain significance (2). Last evaluated 2025-11-12.

Conditions:
Ehlers-Danlos syndrome, type 4 (EDSVASC). Also called: Ehlers-Danlos Syndrome Type IV; Ehlers-Danlos syndrome vascular type; Ehlers Danlos syndrome, ecchymotic type; Ehlers Danlos syndrome, arterial type; Ehlers Danlos syndrome, Sack-Barabas type. Identifiers: Orphanet 286, MedGen C0268338, MONDO:0017314, OMIM 130050.
Familial thoracic aortic aneurysm and aortic dissection (TAAD). Also called: Thoracic aortic aneurysms and dissections. Identifiers: Orphanet 91387, MedGen C4707243, MONDO:0019625.

Allele frequency attached by ClinVar (database versions not stated): gnomAD exomes below 0.00001.
gnomAD v4.1: 1 of 1,613,768 alleles (0.000062%); highest among the groups gnomAD compares: Non-Finnish European, 0.000085%; no homozygotes.

Submissions (2):

Labcorp Genetics (formerly Invitae), Labcorp
Classification: Uncertain significance for Ehlers-Danlos syndrome, type 4. Last evaluated: 2025-11-12. Review status: criteria provided, single submitter. Criteria: Invitae Variant Classification Sherloc (09022015). Collection method: clinical testing. Allele origin: germline.
Comment: This sequence change replaces histidine, which is basic and polar, with arginine, which is basic and polar, at codon 1108 of the COL3A1 protein (p.His1108Arg). This variant is not present in population databases (gnomAD no frequency). This variant has not been reported in the literature in individuals affected with COL3A1-related conditions. ClinVar contains an entry for this variant (Variation ID: 919918). Invitae Evidence Modeling of protein sequence and biophysical properties (such as structural, functional, and spatial information, amino acid conservation, physicochemical variation, residue mobility, and thermodynamic stability) indicates that this missense variant is not expected to disrupt COL3A1 protein function with a negative predictive value of 95%. In summary, the available evidence is currently insufficient to determine the role of this variant in disease. Therefore, it has been classified as a Variant of Uncertain Significance.

Color Diagnostics, LLC DBA Color Health
Classification: Uncertain significance for Familial thoracic aortic aneurysm and aortic dissection. Last evaluated: 2024-03-06. Review status: criteria provided, single submitter. Criteria: ACMG Guidelines, 2015. Collection method: clinical testing. Allele origin: germline.
Comment: This missense variant replaces histidine with arginine at codon 1108 of the COL3A1 protein. Computational prediction suggests that this variant may have deleterious impact on protein structure and function (internally defined REVEL score threshold >= 0.7, PMID: 27666373). Splice site prediction tools suggest that this variant may not impact RNA splicing. To our knowledge, functional studies have not been performed for this variant. This variant has not been reported in individuals affected with cardiovascular disorders in the literature. This variant has not been identified in the general population by the Genome Aggregation Database (gnomAD). The available evidence is insufficient to determine the role of this variant in disease conclusively. Therefore, this variant is classified as a Variant of Uncertain Significance.

NM_000090.4(COL3A1):c.3323A>G (p.His1108Arg)

Gene: COL3A1 (collagen type III alpha 1 chain; plus strand). Cytogenetic location: 2q32.2.
Variant type: single nucleotide variant.
Coding change: c.3323A>G on transcript NM_000090.4 (MANE Select); coding-DNA position 3323, A replaced by G.
Protein change: p.His1108Arg; replaces histidine 1108 with arginine.
Molecular consequence: missense variant.
Genome position (GRCh38, 1-based): chr2:189,007,567, A>G. VCF-style: chr2-189007567-A-G. GRCh37 (hg19) VCF-style: chr2-189872293-A-G.
Other names: short protein forms H1108R.
Identifiers: ClinVar variation 919918 (VCV000919918.7), dbSNP rs1688621770, ClinGen allele CA349845804.
Genomic context (GRCh38, chr2:189,007,567, plus strand): 5'-AAGGCCCACGTGGTGACAAAGGTGAAACAGGTGAACGTGGAGCTGCTGGCATCAAAGGAC[A>G]TCGAGGATTCCCTGGTAATCCAGGTGCCCCAGGTTCTCCAGTAAGTGCATTCATTTTGTT-3'
Protein context (NP_000081.2, residues 1098-1118): GERGAAGIKG[His1108Arg]RGFPGNPGAP